The following is an entry in ClinVar:

ClinVar aggregate classification (germline): Likely benign. Review status: criteria provided, single submitter (1 of 4 stars). 2 submissions from 2 submitters: Likely benign (1). 1 of the submissions does not count toward it. Last evaluated 2024-02-01.

Conditions:
TSGA10-related disorder. Also called: TSGA10-related condition.

Allele frequency attached by ClinVar (database versions not stated): TOPMed 0.00008; gnomAD 0.00019; gnomAD exomes 0.00039; 1000 Genomes Project 0.00040; 1000 Genomes Project 30x 0.00047; ExAC 0.00091.
gnomAD v4.1: 595 of 1,608,712 alleles (0.037%); highest among the groups gnomAD compares: South Asian, 0.61%; 8 homozygotes.

Submissions (2):

CeGaT Center for Human Genetics Tuebingen
Classification: Likely benign. Last evaluated: 2024-02-01. Review status: criteria provided, single submitter. Criteria: CeGaT Center For Human Genetics Tuebingen Variant Classification Criteria Version 2. Collection method: clinical testing. Allele origin: germline. Affected: yes. Observed: 1 variant allele.
Comment: TSGA10: BP4, BS2

PreventionGenetics, part of Exact Sciences
Classification: Likely benign for TSGA10-related condition. Last evaluated: 2019-04-26. Review status: no assertion criteria provided. Collection method: clinical testing. Allele origin: germline. Not counted in ClinVar's aggregate classification.
Comment: This variant is classified as likely benign based on ACMG/AMP sequence variant interpretation guidelines (Richards et al. 2015 PMID: 25741868, with internal and published modifications).

NM_025244.4(TSGA10):c.1107+5A>G

Gene: TSGA10 (testis specific 10; minus strand). Cytogenetic location: 2q11.2.
Variant type: single nucleotide variant.
Coding change: c.1107+5A>G on transcript NM_025244.4 (MANE Select); 5 bases into the intron after coding-DNA position 1107, A replaced by G.
Molecular consequence: intron variant.
Genome position (GRCh38, 1-based): chr2:99,071,701, T>C on the plus strand (A>G on the coding strand, the complement: TSGA10 is on the minus strand). VCF-style: chr2-99071701-T-C. GRCh37 (hg19) VCF-style: chr2-99688164-T-C.
Other names: c.780+5A>G (NM_001349013.2, NM_001349014.1); c.1107+5A>G (NM_182911.4, NM_001349012.1).
Identifiers: ClinVar variation 3025572 (VCV003025572.23), dbSNP rs575635395, ClinGen allele CA1796805.